The following is an entry in ClinVar:

ClinVar aggregate classification (germline): Uncertain significance (1 of 4 stars; one submission).

Conditions:
Idiopathic generalized epilepsy. Also called: Generalised epilepsy; EIG. Identifiers: MedGen C0270850, MONDO:0005579, OMIM 600669.
Hyperaldosteronism, familial, type IV (HALD4). Also called: FH IV; ALDOSTERONISM, PRIMARY, AND HYPERTENSION. Identifiers: MONDO:0014875, OMIM 617027, Orphanet 642671, MedGen C4310756.

Allele frequency attached by ClinVar (database versions not stated): gnomAD 0.00005.
gnomAD v4.1: 10 of 1,612,104 alleles (0.00062%); highest among the groups gnomAD compares: Admixed American, 0.015%; no homozygotes.

Submission:

Labcorp Genetics (formerly Invitae), Labcorp
Classification: Uncertain significance for Idiopathic generalized epilepsy; Hyperaldosteronism, familial, type IV. Last evaluated: 2024-09-03. Review status: criteria provided, single submitter. Criteria: Invitae Variant Classification Sherloc (09022015). Collection method: clinical testing. Allele origin: germline.
Comment: This sequence change replaces asparagine, which is neutral and polar, with serine, which is neutral and polar, at codon 356 of the CACNA1H protein (p.Asn356Ser). This variant is not present in population databases (gnomAD no frequency). This variant has not been reported in the literature in individuals affected with CACNA1H-related conditions. ClinVar contains an entry for this variant (Variation ID: 938567). Invitae Evidence Modeling of protein sequence and biophysical properties (such as structural, functional, and spatial information, amino acid conservation, physicochemical variation, residue mobility, and thermodynamic stability) indicates that this missense variant is not expected to disrupt CACNA1H protein function with a negative predictive value of 80%. In summary, the available evidence is currently insufficient to determine the role of this variant in disease. Therefore, it has been classified as a Variant of Uncertain Significance.

NM_021098.3(CACNA1H):c.1067A>G (p.Asn356Ser)

Gene: CACNA1H (calcium voltage-gated channel subunit alpha1 H; plus strand). Cytogenetic location: 16p13.3.
Variant type: single nucleotide variant.
Coding change: c.1067A>G on transcript NM_021098.3 (MANE Select); coding-DNA position 1067, A replaced by G.
Protein change: p.Asn356Ser; replaces asparagine 356 with serine.
Molecular consequence: missense variant.
Genome position (GRCh38, 1-based): chr16:1,200,519, A>G. VCF-style: chr16-1200519-A-G. GRCh37 (hg19) VCF-style: chr16-1250519-A-G.
Other names: c.1067A>G, p.Asn356Ser (NM_001005407.2); short protein forms N356S.
Identifiers: ClinVar variation 938567 (VCV000938567.9), dbSNP rs1967723771, ClinGen allele CA394157881.